The following is an entry in ClinVar:

ClinVar aggregate classification (germline): Uncertain significance (1 of 4 stars; one submission).

Conditions:
Hereditary cancer-predisposing syndrome. Also called: Neoplastic Syndromes, Hereditary; Tumor predisposition; Hereditary Cancer Syndrome; Hereditary neoplastic syndrome. Identifiers: Orphanet 140162, MedGen C0027672, MeSH D009386, MONDO:0015356.

Submission:

Ambry Genetics
Classification: Uncertain significance for Hereditary cancer-predisposing syndrome. Last evaluated: 2026-08-03. Review status: criteria provided, single submitter. Criteria: Ambry Variant Classification Scheme 2023. Collection method: clinical testing. Allele origin: germline.
Comment: The p.R284P variant (also known as c.851G>C), located in coding exon 7 of the BMPR1A gene, results from a G to C substitution at nucleotide position 851. The arginine at codon 284 is replaced by proline, an amino acid with dissimilar properties. This amino acid position is conserved. In addition, this alteration is predicted to be deleterious by in silico analysis. Based on the available evidence, the clinical significance of this variant remains unclear.

NM_004329.3(BMPR1A):c.851G>C (p.Arg284Pro)

Gene: BMPR1A (bone morphogenetic protein receptor type 1A; plus strand). Cytogenetic location: 10q23.2.
Variant type: single nucleotide variant.
Coding change: c.851G>C on transcript NM_004329.3 (MANE Select); coding-DNA position 851, G replaced by C.
Protein change: p.Arg284Pro; replaces arginine 284 with proline.
Molecular consequence: missense variant. On other transcripts: non-coding transcript variant (3).
Genome position (GRCh38, 1-based): chr10:86,917,309, G>C. VCF-style: chr10-86917309-G-C. GRCh37 (hg19) VCF-style: chr10-88677066-G-C.
Other names: c.926G>C, p.Arg309Pro (NM_001406559.1); c.899G>C, p.Arg300Pro (NM_001406560.1); c.851G>C, p.Arg284Pro (NM_001406561.1, NM_001406562.1, NM_001406563.1 and 19 more transcripts); c.767G>C, p.Arg256Pro (NM_001406587.1, NM_001406588.1, NM_001406584.1 and 2 more transcripts); c.509G>C, p.Arg170Pro (NM_001406589.1); c.845G>C, p.Arg282Pro (NM_001406583.1); short protein forms R170P, R300P, R256P, R284P, R309P, R282P.
Identifiers: ClinVar variation 4214376 (VCV004214376.2).